The following is an entry in ClinVar:

ClinVar aggregate classification (germline): Uncertain significance. Review status: criteria provided, multiple submitters, no conflicts (2 of 4 stars). 2 submissions from 2 submitters: Uncertain significance (2). Last evaluated 2025-12-28.

Conditions:
Inborn genetic diseases. Identifiers: MedGen C0950123, MeSH D030342.

gnomAD v4.1: 2 of 1,613,526 alleles (0.00012%); highest among the groups gnomAD compares: Admixed American, 0.0017%; no homozygotes.

Submissions (2):

Labcorp Genetics (formerly Invitae), Labcorp
Classification: Uncertain significance. Last evaluated: 2025-12-28. Review status: criteria provided, single submitter. Criteria: Invitae Variant Classification Sherloc (09022015). Collection method: clinical testing. Allele origin: germline.
Comment: This sequence change replaces asparagine, which is neutral and polar, with lysine, which is basic and polar, at codon 47 of the ITPR1 protein (p.Asn47Lys). This variant is not present in population databases (gnomAD no frequency). This variant has not been reported in the literature in individuals affected with ITPR1-related conditions. ClinVar contains an entry for this variant (Variation ID: 3712467). Invitae Evidence Modeling of protein sequence and biophysical properties (such as structural, functional, and spatial information, amino acid conservation, physicochemical variation, residue mobility, and thermodynamic stability) indicates that this missense variant is not expected to disrupt ITPR1 protein function with a negative predictive value of 95%. In summary, the available evidence is currently insufficient to determine the role of this variant in disease. Therefore, it has been classified as a Variant of Uncertain Significance.

Ambry Genetics
Classification: Uncertain significance for Inborn genetic diseases. Last evaluated: 2025-10-06. Review status: criteria provided, single submitter. Criteria: Ambry Variant Classification Scheme 2023. Collection method: clinical testing. Allele origin: germline.

NM_001378452.1(ITPR1):c.141C>A (p.Asn47Lys)

Gene: ITPR1 (inositol 1,4,5-trisphosphate receptor type 1; plus strand). Cytogenetic location: 3p26.1.
Variant type: single nucleotide variant.
Coding change: c.141C>A on transcript NM_001378452.1 (MANE Select); coding-DNA position 141, C replaced by A.
Protein change: p.Asn47Lys; replaces asparagine 47 with lysine.
Molecular consequence: missense variant.
Genome position (GRCh38, 1-based): chr3:4,521,072, C>A. VCF-style: chr3-4521072-C-A. GRCh37 (hg19) VCF-style: chr3-4562756-C-A.
Other names: c.141C>A (NM_002222.5); c.141C>A, p.Asn47Lys (NM_001099952.4, NM_001168272.2, NM_002222.7); short protein forms N47K.
Identifiers: ClinVar variation 3712467 (VCV003712467.3).